The following is an entry in ClinVar:

ClinVar aggregate classification (germline): Likely benign. Review status: criteria provided, multiple submitters, no conflicts (2 of 4 stars). 3 submissions from 3 submitters: Likely benign (3). Last evaluated 2026-09-01.

Allele frequency attached by ClinVar (database versions not stated): gnomAD exomes 0.00004 and 0.00008; gnomAD 0.00005; TOPMed 0.00005; ExAC 0.00007.
gnomAD v4.1: 50 of 1,209,461 alleles (0.0041%); highest among the groups gnomAD compares: Admixed American, 0.011%; no homozygotes.

Submissions (3):

CeGaT Center for Human Genetics Tuebingen
Classification: Likely benign. Last evaluated: 2026-09-01. Review status: criteria provided, single submitter. Criteria: CeGaT Center For Human Genetics Tuebingen Variant Classification Criteria Version 2. Collection method: clinical testing. Allele origin: germline. Affected: yes. Observed: 1 variant allele.
Comment: USP9X: BP4, BP7, BS2

Labcorp Genetics (formerly Invitae), Labcorp
Classification: Likely benign. Last evaluated: 2023-05-25. Review status: criteria provided, single submitter. Criteria: Invitae Variant Classification Sherloc (09022015). Collection method: clinical testing. Allele origin: germline.

GeneDx
Classification: Likely benign. Last evaluated: 2021-01-12. Review status: criteria provided, single submitter. Criteria: GeneDx Variant Classification Process June 2021. Collection method: clinical testing. Allele origin: germline. Affected: yes.

NM_001039591.3(USP9X):c.6516G>A (p.Gly2172=)

Gene: USP9X (ubiquitin specific peptidase 9 X-linked; plus strand). Cytogenetic location: Xp11.4.
Variant type: single nucleotide variant.
Coding change: c.6516G>A on transcript NM_001039591.3 (MANE Select); coding-DNA position 6516, G replaced by A.
Protein change: p.Gly2172=; no amino-acid change (glycine 2172 retained).
Molecular consequence: synonymous variant.
Genome position (GRCh38, 1-based): chrX:41,219,182, G>A. VCF-style: chrX-41219182-G-A. GRCh37 (hg19) VCF-style: chrX-41078435-G-A.
Other names: c.6516G>A, p.Gly2172= (NM_001039590.3).
Identifiers: ClinVar variation 727811 (VCV000727811.10), dbSNP rs769940473, ClinGen allele CA10389116.